The following is an entry in ClinVar:

NM_001042492.3(NF1):c.1062+1del

Gene: NF1 (neurofibromin 1; plus strand). Cytogenetic location: 17q11.2.
Variant type: Deletion.
Coding change: c.1062+1del on transcript NM_001042492.3 (MANE Select); the canonical splice donor site of the intron after coding-DNA position 1062, one base deleted (G; older notation c.1062+1delG).
Molecular consequence: splice donor variant.
Genome position (GRCh38, 1-based): chr17:31,200,596, G deleted; the last of 2 consecutive G bases (chr17:31,200,595-31,200,596); deleting either gives the same sequence. VCF-style (leftmost placement, unchanged base first): chr17-31200594-AG-A. GRCh37 (hg19) VCF-style: chr17-29527612-AG-A.
Other names: c.1062+1del (NM_000267.4, NM_001128147.3).
Identifiers: ClinVar variation 2727448 (VCV002727448.3), dbSNP rs2544794553, ClinGen allele CA2697559684.

ClinVar aggregate classification (germline): Pathogenic (1 of 4 stars; one submission).

Conditions:
Neurofibromatosis, type 1 (NF1). Also called: Neurofibromatosis, type I; NEUROFIBROMATOSIS, TYPE I, SOMATIC; Peripheral type neurofibromatosis; VON RECKLINGHAUSEN DISEASE. Identifiers: Orphanet 636, MedGen C0027831, MONDO:0018975, OMIM 162200. Disease mechanism: loss of function.

Submission:

Labcorp Genetics (formerly Invitae), Labcorp
Classification: Pathogenic for Neurofibromatosis, type 1. Last evaluated: 2023-06-27. Review status: criteria provided, single submitter. Criteria: Invitae Variant Classification Sherloc (09022015). Collection method: clinical testing. Allele origin: germline.
Comment: This variant has not been reported in the literature in individuals affected with NF1-related conditions. Algorithms developed to predict the effect of sequence changes on RNA splicing suggest that this variant may disrupt the consensus splice site. For these reasons, this variant has been classified as Pathogenic. This sequence change creates a premature translational stop signal (p.Asn355Thrfs*21) in the NF1 gene. It is expected to result in an absent or disrupted protein product. Loss-of-function variants in NF1 are known to be pathogenic (PMID: 10712197, 23913538). This variant is not present in population databases (gnomAD no frequency).

Literature cited by the submitters: PubMed 10712197; PubMed 23913538.